The following is an entry in ClinVar:

NM_001170629.2(CHD8):c.2553G>C (p.Gln851His)

Gene: CHD8 (chromodomain helicase DNA binding protein 8; minus strand). Cytogenetic location: 14q11.2.
Variant type: single nucleotide variant.
Coding change: c.2553G>C on transcript NM_001170629.2 (MANE Select); coding-DNA position 2553, G replaced by C.
Protein change: p.Gln851His; replaces glutamine 851 with histidine.
Molecular consequence: missense variant.
Genome position (GRCh38, 1-based): chr14:21,408,489, C>G on the plus strand (G>C on the coding strand, the complement: CHD8 is on the minus strand). VCF-style: chr14-21408489-C-G. GRCh37 (hg19) VCF-style: chr14-21876648-C-G.
Other names: c.1716G>C, p.Gln572His (NM_020920.4); short protein forms Q572H, Q851H.
Identifiers: ClinVar variation 4809126 (VCV004809126.1).

ClinVar aggregate classification (germline): Uncertain significance (1 of 4 stars; one submission).

gnomAD v4.1: 3 of 1,613,926 alleles (0.00019%); no homozygotes.

Submission:

Labcorp Genetics (formerly Invitae), Labcorp
Classification: Uncertain significance. Last evaluated: 2025-07-27. Review status: criteria provided, single submitter. Criteria: Invitae Variant Classification Sherloc (09022015). Collection method: clinical testing. Allele origin: germline.
Comment: This sequence change replaces glutamine, which is neutral and polar, with histidine, which is basic and polar, at codon 851 of the CHD8 protein (p.Gln851His). This variant is not present in population databases (gnomAD no frequency). This variant has not been reported in the literature in individuals affected with CHD8-related conditions. Invitae Evidence Modeling of protein sequence and biophysical properties (such as structural, functional, and spatial information, amino acid conservation, physicochemical variation, residue mobility, and thermodynamic stability) indicates that this missense variant is not expected to disrupt CHD8 protein function with a negative predictive value of 95%. In summary, the available evidence is currently insufficient to determine the role of this variant in disease. Therefore, it has been classified as a Variant of Uncertain Significance.